The following is an entry in ClinVar:

NM_001367624.2(ZNF469):c.8599G>A (p.Gly2867Ser)

Gene: ZNF469 (zinc finger protein 469; plus strand). Cytogenetic location: 16q24.2.
Variant type: single nucleotide variant.
Coding change: c.8599G>A on transcript NM_001367624.2 (MANE Select); coding-DNA position 8599, G replaced by A.
Protein change: p.Gly2867Ser; replaces glycine 2867 with serine.
Molecular consequence: missense variant.
Genome position (GRCh38, 1-based): chr16:88,436,069, G>A. VCF-style: chr16-88436069-G-A. GRCh37 (hg19) VCF-style: chr16-88502477-G-A.
Other names: NM_001127464.1:c.8515G>A; NM_001127464.2:c.8515G>A; short protein forms G2867S.
Identifiers: ClinVar variation 452045 (VCV000452045.12), dbSNP rs745468033, ClinGen allele CA286384276.
Genomic context (GRCh38, chr16:88,436,069, plus strand): 5'-AAGGATCCTCCAAGCTTGTTTGATGATGAGGTCTCTTTCTCCCAGCTCTTCCCTCCAGGC[G>A]GTCGCTTGACTAGAAAGAGGAACCCGCATGTCTACGGGAAGCGCTGTGAGAAGCCGGTGC-3'
Protein context (NP_001354553.1, residues 2857-2877): VSFSQLFPPG[Gly2867Ser]RLTRKRNPHV

ClinVar aggregate classification (germline): Conflicting classifications of pathogenicity. Review status: criteria provided, conflicting classifications (1 of 4 stars). 6 submissions from 6 submitters: Uncertain significance (5); Likely benign (1). Last evaluated 2025-12-26.

Conditions:
ZNF469-related disorder. Also called: ZNF469-related condition.
Cardiovascular phenotype. Identifiers: MedGen CN230736.
Brittle cornea syndrome 1 (BCS1). Also called: FRAGILITAS OCULI WITH JOINT HYPEREXTENSIBILITY; DYSGENESIS MESODERMALIS CORNEAE ET SCLERAE; CORNEAL FRAGILITY, KERATOGLOBUS, BLUE SCLERAE, JOINT HYPEREXTENSIBILITY; EDS6B; Corneal fragility keratoglobus, blue sclerae AND joint hypermobility. Identifiers: Orphanet 90354, MedGen C0268344, MONDO:0024543, OMIM 229200.

Allele frequency attached by ClinVar (database versions not stated): gnomAD exomes 0.00003; TOPMed 0.00009; 1000 Genomes Project 30x 0.00016.
gnomAD v4.1: 91 of 1,550,110 alleles (0.0059%); highest among the groups gnomAD compares: Middle Eastern, 0.017%; no homozygotes.

Submissions (6):

PreventionGenetics, part of Exact Sciences
Classification: Uncertain significance for ZNF469-related condition. Last evaluated: 2025-12-26. Review status: criteria provided, single submitter. Criteria: ACMG Guidelines, 2015. Collection method: clinical testing. Allele origin: germline.
Comment: The ZNF469 c.8515G>A variant is predicted to result in the amino acid substitution p.Gly2839Ser. To our knowledge, this variant has not been reported in the literature. This variant is reported in 0.0081% of alleles in individuals of European (Non-Finnish) descent in gnomAD. At this time, the clinical significance of this variant is uncertain due to the absence of conclusive functional and genetic evidence.

Labcorp Genetics (formerly Invitae), Labcorp
Classification: Uncertain significance. Last evaluated: 2025-12-23. Review status: criteria provided, single submitter. Criteria: Invitae Variant Classification Sherloc (09022015). Collection method: clinical testing. Allele origin: germline.
Comment: This sequence change replaces glycine, which is neutral and non-polar, with serine, which is neutral and polar, at codon 2839 of the ZNF469 protein (p.Gly2839Ser). This variant is present in population databases (rs745468033, gnomAD 0.008%). This variant has not been reported in the literature in individuals affected with ZNF469-related conditions. ClinVar contains an entry for this variant (Variation ID: 452045). An algorithm developed to predict the effect of missense changes on protein structure and function (PolyPhen-2) suggests that this variant is likely to be disruptive. In summary, the available evidence is currently insufficient to determine the role of this variant in disease. Therefore, it has been classified as a Variant of Uncertain Significance.

Women's Health and Genetics/Laboratory Corporation of America, LabCorp
Classification: Uncertain significance. Last evaluated: 2025-12-14. Review status: criteria provided, single submitter. Criteria: LabCorp Variant Classification Summary - May 2015. Collection method: clinical testing. Allele origin: germline.
Comment: Variant summary: ZNF469 c.8599G>A (p.Gly2867Ser) results in a non-conservative amino acid change in the encoded protein sequence. Algorithms developed to predict the effect of missense changes on protein structure and function are either unavailable or do not agree on the potential impact of this missense change. The variant allele was found at a frequency of 3.3e-05 in 152146 control chromosomes. The available data on variant occurrences in the general population are insufficient to allow any conclusion about variant significance. To our knowledge, no occurrence of c.8599G>A in individuals affected with ZNF469-related conditions and no experimental evidence demonstrating its impact on protein function have been reported. ClinVar contains an entry for this variant (Variation ID: 452045). Based on the evidence outlined above, the variant was classified as uncertain significance.

Ambry Genetics
Classification: Likely benign for Cardiovascular phenotype. Last evaluated: 2025-03-19. Review status: criteria provided, single submitter. Criteria: Ambry Variant Classification Scheme 2023. Collection method: clinical testing. Allele origin: germline.

Fulgent Genetics
Classification: Uncertain significance for Brittle cornea syndrome 1. Last evaluated: 2021-12-01. Review status: criteria provided, single submitter. Criteria: ACMG Guidelines, 2015. Collection method: clinical testing. Allele origin: unknown.

GeneDx
Classification: Uncertain significance. Last evaluated: 2021-06-09. Review status: criteria provided, single submitter. Criteria: GeneDx Variant Classification Process June 2021. Collection method: clinical testing. Allele origin: germline. Affected: yes.
Comment: Has not been previously published as pathogenic or benign to our knowledge; Not observed at significant frequency in large population cohorts (Lek et al., 2016); In silico analysis, which includes protein predictors and evolutionary conservation, supports that this variant does not alter protein structure/function; This variant is associated with the following publications: (PMID: 27535533)